The following is an entry in ClinVar:

ClinVar aggregate classification (germline): Likely pathogenic (1 of 4 stars; one submission).

Conditions:
Lissencephaly due to LIS1 mutation (LIS1). Also called: Isolated Lissencephaly Sequence; PAFAH1B1-Associated Lissencephaly/Subcortical Band Heterotopia; PAFAH1B1-Related Lissencephaly/Subcortical Band Heterotopia. Identifiers: Orphanet 95232, MedGen C4749301, MONDO:0011830, OMIM 607432.

Submission:

Centre for Mendelian Genomics, University Medical Centre Ljubljana
Classification: Likely pathogenic for Lissencephaly due to LIS1 mutation. Last evaluated: 2019-04-18. Review status: criteria provided, single submitter. Criteria: ACMG Guidelines, 2015. Collection method: clinical testing. Allele origin: unknown. Affected: yes.
Comment: This variant was classified as: Likely pathogenic. The following ACMG criteria were applied in classifying this variant: PM1,PM2,PM6.

NM_000430.4(PAFAH1B1):c.1142A>G (p.His381Arg)

Gene: PAFAH1B1 (platelet activating factor acetylhydrolase 1b regulatory subunit 1; plus strand). Cytogenetic location: 17p13.3.
Variant type: single nucleotide variant.
Coding change: c.1142A>G on transcript NM_000430.4 (MANE Select); coding-DNA position 1142, A replaced by G.
Protein change: p.His381Arg; replaces histidine 381 with arginine.
Molecular consequence: missense variant.
Genome position (GRCh38, 1-based): chr17:2,680,303, A>G. VCF-style: chr17-2680303-A-G. GRCh37 (hg19) VCF-style: chr17-2583597-A-G.
Other names: short protein forms H381R.
Identifiers: ClinVar variation 931583 (VCV000931583.3), dbSNP rs2069361452, ClinGen allele CA397642877.
Genomic context (GRCh38, chr17:2,680,303, plus strand): 5'-CCCTACGCGTATGGGATTACAAGAACAAGCGATGCATGAAGACCCTCAATGCGCATGAAC[A>G]CTTTGTTACCTCCTTGGGTATGTACGCCTCGCGAGGTCTCTGAACATTAGATTTTGGAGT-3'
Protein context (NP_000421.1, residues 371-391): RCMKTLNAHE[His381Arg]FVTSLDFHKT